The following is an entry in ClinVar:

NM_000257.4(MYH7):c.4209C>T (p.Ala1403=)

Gene: MYH7 (myosin heavy chain 7; minus strand). Cytogenetic location: 14q11.2.
Variant type: single nucleotide variant.
Coding change: c.4209C>T on transcript NM_000257.4 (MANE Select); coding-DNA position 4209, C replaced by T.
Protein change: p.Ala1403=; no amino-acid change (alanine 1403 retained).
Molecular consequence: synonymous variant.
Genome position (GRCh38, 1-based): chr14:23,417,647, G>A on the plus strand (C>T on the coding strand, the complement: MYH7 is on the minus strand). VCF-style: chr14-23417647-G-A. GRCh37 (hg19) VCF-style: chr14-23886856-G-A.
Identifiers: ClinVar variation 739361 (VCV000739361.14), dbSNP rs537497927, ClinGen allele CA041215.

ClinVar aggregate classification (germline): Likely benign. Review status: criteria provided, multiple submitters, no conflicts (2 of 4 stars). 4 submissions from 4 submitters: Likely benign (4). Last evaluated 2026-09-21.

Conditions:
Hypertrophic cardiomyopathy. Also called: HYPERTROPHIC MYOCARDIOPATHY. Identifiers: Orphanet 217569, MedGen C0007194, MeSH D002312, MONDO:0005045, HP:0001639.
Cardiomyopathy (CMYO). Also called: Cardiomyopathies. Identifiers: Orphanet 167848, MedGen C0878544, MONDO:0004994, HP:0001638. Inheritance: Various modes of inheritance.

Allele frequency attached by ClinVar (database versions not stated): TOPMed below 0.00001; ExAC 0.00001; gnomAD 0.00001; gnomAD exomes below 0.00001.
gnomAD v4.1: 3 of 1,613,038 alleles (0.00019%); highest among the groups gnomAD compares: Admixed American, 0.0017%; no homozygotes.

Submissions (4):

Molecular Diagnostic Laboratory for Inherited Cardiovascular Disease, Montreal Heart Institute
Classification: Likely benign. Last evaluated: 2026-09-21. Review status: criteria provided, single submitter. Criteria: ACMG Guidelines, 2015. Collection method: clinical testing. Allele origin: germline. Affected: no.
Comment: BP7

Labcorp Genetics (formerly Invitae), Labcorp
Classification: Likely benign for Hypertrophic cardiomyopathy. Last evaluated: 2025-12-29. Review status: criteria provided, single submitter. Criteria: Invitae Variant Classification Sherloc (09022015). Collection method: clinical testing. Allele origin: germline.

All of Us Research Program, National Institutes of Health
Classification: Likely benign for Cardiomyopathy. Last evaluated: 2024-05-30. Review status: criteria provided, single submitter. Criteria: ACMG Guidelines, 2015. Collection method: clinical testing. Allele origin: germline. Inheritance: Autosomal dominant inheritance. Observed: 3 variant alleles, 3 heterozygotes.
Comment: This study involves interpretation of variants in research participants for the purpose of population health screening. Participant phenotype was not available at the time of variant classification. Additional details can be found in publication PMID: 35346344, PMCID: PMC8962531

Color Diagnostics, LLC DBA Color Health
Classification: Likely benign for Cardiomyopathy. Last evaluated: 2023-02-08. Review status: criteria provided, single submitter. Criteria: ACMG Guidelines, 2015. Collection method: clinical testing. Allele origin: germline.